The following is an entry in ClinVar:

ClinVar aggregate classification (germline): Uncertain significance. Review status: criteria provided, multiple submitters, no conflicts (2 of 4 stars). 2 submissions from 2 submitters: Uncertain significance (2). Last evaluated 2024-04-23.

Conditions:
Inborn genetic diseases. Identifiers: MedGen C0950123, MeSH D030342.

Allele frequency attached by ClinVar (database versions not stated): gnomAD exomes 0.00001; TOPMed 0.00001; ExAC 0.00003; ESP Exome Variant Server 0.00008.
gnomAD v4.1: 14 of 1,610,672 alleles (0.00087%); highest among the groups gnomAD compares: South Asian, 0.0033%; no homozygotes.

Submissions (2):

GeneDx
Classification: Uncertain significance. Last evaluated: 2024-04-23. Review status: criteria provided, single submitter. Criteria: GeneDx Variant Classification Process June 2021. Collection method: clinical testing. Allele origin: germline. Affected: yes.
Comment: In silico analysis indicates that this missense variant does not alter protein structure/function; Has not been previously published as pathogenic or benign to our knowledge

Ambry Genetics
Classification: Uncertain significance for Inborn genetic diseases. Last evaluated: 2023-07-14. Review status: criteria provided, single submitter. Criteria: Ambry Variant Classification Scheme 2023. Collection method: clinical testing. Allele origin: germline.

NM_001080453.3(INTS1):c.4361C>T (p.Ser1454Leu)

Gene: INTS1 (integrator complex subunit 1; minus strand). Cytogenetic location: 7p22.3.
Variant type: single nucleotide variant.
Coding change: c.4361C>T on transcript NM_001080453.3 (MANE Select); coding-DNA position 4361, C replaced by T.
Protein change: p.Ser1454Leu; replaces serine 1454 with leucine.
Molecular consequence: missense variant.
Genome position (GRCh38, 1-based): chr7:1,478,854, G>A on the plus strand (C>T on the coding strand, the complement: INTS1 is on the minus strand). VCF-style: chr7-1478854-G-A. GRCh37 (hg19) VCF-style: chr7-1518490-G-A.
Other names: c.878C>T, p.Ser293Leu (NM_015674.1); short protein forms S1454L, S293L.
Identifiers: ClinVar variation 2611873 (VCV002611873.3), dbSNP rs370490865, ClinGen allele CA4118880.
Genomic context (GRCh38, chr7:1,478,854, plus strand): 5'-CCCTCCACGCCAGGGCTGTCCAGCCACTGCAGCATCTGCAGGAGCACCTTCAGGAAGAGC[G>A]AGGAGAAGCCGGTGTCCTGTGGCACACAGCGCTGCGGGGACAAAGTGGCACGTGGCTACC-3'
Protein context (NP_001073922.2, residues 1444-1464): RCVPQDTGFS[Ser1454Leu]LFLKVLLQML